The following is an entry in ClinVar:

NM_032539.5(SLITRK2):c.238A>G (p.Asn80Asp)

Gene: SLITRK2 (SLIT and NTRK like family member 2; plus strand). Cytogenetic location: Xq27.3.
Variant type: single nucleotide variant.
Coding change: c.238A>G on transcript NM_032539.5 (MANE Select); coding-DNA position 238, A replaced by G.
Protein change: p.Asn80Asp; replaces asparagine 80 with aspartic acid.
Molecular consequence: missense variant.
Genome position (GRCh38, 1-based): chrX:145,822,663, A>G. VCF-style: chrX-145822663-A-G. GRCh37 (hg19) VCF-style: chrX-144904181-A-G.
Other names: c.238A>G, p.Asn80Asp (NM_001144003.3, NM_001144004.3, NM_001144005.3 and 4 more transcripts); short protein forms N80D.
Identifiers: ClinVar variation 2602647 (VCV002602647.3), dbSNP rs1238848378, ClinGen allele CA414500317.

ClinVar aggregate classification (germline): Uncertain significance. Review status: criteria provided, multiple submitters, no conflicts (2 of 4 stars). 2 submissions from 2 submitters: Uncertain significance (2). Last evaluated 2025-05-27.

Conditions:
Intellectual developmental disorder, X-linked 111 (XLID111). Identifiers: MedGen C5829568, MONDO:0957203, OMIM 301107.

Allele frequency attached by ClinVar (database versions not stated): gnomAD exomes below 0.00001; gnomAD 0.00001; TOPMed 0.00001.
gnomAD v4.1: 5 of 1,210,038 alleles (0.00041%); highest among the groups gnomAD compares: Non-Finnish European, 0.00056%; no homozygotes.

Submissions (2):

Department of Paediatrics at Addenbrookes, Cambridge University Hospitals NHS Foundation Trust (UK)
Classification: Uncertain significance for Intellectual developmental disorder, X-linked 111. Last evaluated: 2025-05-27. Review status: criteria provided, single submitter. Criteria: Durkie Uk Practice Guidelines For Variant Classification V12 2024 (1). Collection method: clinical testing. Allele origin: unknown.
Comment: PM2_Moderate; BP4_Supporting

Ambry Genetics
Classification: Uncertain significance. Last evaluated: 2023-08-08. Review status: criteria provided, single submitter. Criteria: Ambry Variant Classification Scheme 2023. Collection method: clinical testing. Allele origin: germline.